The following is an entry in ClinVar:

NM_032043.3(BRIP1):c.618G>T (p.Ser206=)

Gene: BRIP1 (BRCA1 interacting DNA helicase 1; minus strand). Cytogenetic location: 17q23.2.
Variant type: single nucleotide variant.
Coding change: c.618G>T on transcript NM_032043.3 (MANE Select); coding-DNA position 618, G replaced by T.
Protein change: p.Ser206=; no amino-acid change (serine 206 retained).
Molecular consequence: synonymous variant.
Genome position (GRCh38, 1-based): chr17:61,847,110, C>A on the plus strand (G>T on the coding strand, the complement: BRIP1 is on the minus strand). VCF-style: chr17-61847110-C-A. GRCh37 (hg19) VCF-style: chr17-59924471-C-A.
Identifiers: ClinVar variation 230750 (VCV000230750.22), dbSNP rs367614726, ClinGen allele CA10580866.

ClinVar aggregate classification (germline): Conflicting classifications of pathogenicity. Review status: criteria provided, conflicting classifications (1 of 4 stars). 8 submissions from 8 submitters: Uncertain significance (1); Benign (1); Likely benign (4). 2 of the submissions do not count toward it. Last evaluated 2026-01-28.

Conditions:
Fanconi anemia complementation group J. Also called: BRIP1-Related Fanconi Anemia. Identifiers: Orphanet 84, MedGen C1836860, MONDO:0012187, OMIM 609054.
Familial cancer of breast. Also called: Hereditary breast cancer; hereditary breast carcinoma; BREAST CANCER, FAMILIAL. Identifiers: Orphanet 227535, MedGen C0346153, MONDO:0016419, OMIM 114480. Disease mechanism: loss of function.
Hereditary cancer-predisposing syndrome. Also called: Hereditary Cancer Syndrome; Neoplastic Syndromes, Hereditary; Tumor predisposition; Hereditary neoplastic syndrome. Identifiers: Orphanet 140162, MedGen C0027672, MeSH D009386, MONDO:0015356.

gnomAD v4.1: 7 of 1,613,646 alleles (0.00043%); highest among the groups gnomAD compares: Non-Finnish European, 0.00059%; no homozygotes.

Submissions (8):

Labcorp Genetics (formerly Invitae), Labcorp
Classification: Likely benign for Familial cancer of breast; Fanconi anemia complementation group J. Last evaluated: 2026-01-28. Review status: criteria provided, single submitter. Criteria: Invitae Variant Classification Sherloc (09022015). Collection method: clinical testing. Allele origin: germline.

Myriad Genetics, Inc.
Classification: Benign for Familial cancer of breast. Last evaluated: 2024-08-21. Review status: criteria provided, single submitter. Criteria: Myriad Autosomal Dominant, Autosomal Recessive and X-Linked Classification Criteria (2023). Collection method: clinical testing. Allele origin: unknown.
Comment: This variant is considered benign. This variant is a silent/synonymous amino acid change and it is not expected to impact splicing.

Color Diagnostics, LLC DBA Color Health
Classification: Uncertain significance for Hereditary cancer-predisposing syndrome. Last evaluated: 2023-06-26. Review status: criteria provided, single submitter. Criteria: ACMG Guidelines, 2015. Collection method: clinical testing. Allele origin: germline.
Comment: This variant is located in the BRIP1 protein. To our knowledge, functional studies have not been reported for this variant. This variant has not been reported in individuals affected with BRIP1-related disorders in the literature. This variant has been identified in 2/282690 chromosomes in the general population by the Genome Aggregation Database (gnomAD). The available evidence is insufficient to determine the role of this variant in disease conclusively. Therefore, this variant is classified as a Variant of Uncertain Significance.

Sema4
Classification: Likely benign for Hereditary cancer-predisposing syndrome. Last evaluated: 2021-09-11. Review status: criteria provided, single submitter. Criteria: Sema4 Curation Guidelines. Collection method: curation. Allele origin: germline.

Women's Health and Genetics/Laboratory Corporation of America, LabCorp
Classification: Likely benign. Last evaluated: 2019-08-21. Review status: criteria provided, single submitter. Criteria: LabCorp Variant Classification Summary - May 2015. Collection method: clinical testing. Allele origin: germline.

Ambry Genetics
Classification: Likely benign for Hereditary cancer-predisposing syndrome. Last evaluated: 2015-03-06. Review status: criteria provided, single submitter. Criteria: Ambry Variant Classification Scheme 2023. Collection method: clinical testing. Allele origin: germline.

Genome Diagnostics Laboratory, Amsterdam University Medical Center
Classification: Likely benign. Review status: no assertion criteria provided. Collection method: clinical testing. Allele origin: germline. Affected: yes. Study: VKGL Data-share Consensus. Not counted in ClinVar's aggregate classification.

Joint Genome Diagnostic Labs from Nijmegen and Maastricht, Radboudumc and MUMC+
Classification: Likely benign. Review status: no assertion criteria provided. Collection method: clinical testing. Allele origin: germline. Affected: yes. Study: VKGL Data-share Consensus. Not counted in ClinVar's aggregate classification.